The following is an entry in ClinVar:

ClinVar aggregate classification (germline): Uncertain significance (1 of 4 stars; one submission).

Allele frequency attached by ClinVar (database versions not stated): ExAC 0.00001; gnomAD 0.00002.
gnomAD v4.1: 9 of 1,608,998 alleles (0.00056%); highest among the groups gnomAD compares: East Asian, 0.018%; no homozygotes.

Submission:

Labcorp Genetics (formerly Invitae), Labcorp
Classification: Uncertain significance. Last evaluated: 2022-03-17. Review status: criteria provided, single submitter. Criteria: Invitae Variant Classification Sherloc (09022015). Collection method: clinical testing. Allele origin: germline.
Comment: This sequence change replaces proline, which is neutral and non-polar, with threonine, which is neutral and polar, at codon 741 of the PTPN23 protein (p.Pro741Thr). This variant is present in population databases (rs751424693, gnomAD 0.02%). This variant has not been reported in the literature in individuals affected with PTPN23-related conditions. Algorithms developed to predict the effect of missense changes on protein structure and function are either unavailable or do not agree on the potential impact of this missense change (SIFT: "Tolerated"; PolyPhen-2: "Not Available"; Align-GVGD: "Class C0"). In summary, the available evidence is currently insufficient to determine the role of this variant in disease. Therefore, it has been classified as a Variant of Uncertain Significance.

NM_015466.4(PTPN23):c.2221C>A (p.Pro741Thr)

Gene: PTPN23 (protein tyrosine phosphatase non-receptor type 23; plus strand). Cytogenetic location: 3p21.31.
Variant type: single nucleotide variant.
Coding change: c.2221C>A on transcript NM_015466.4 (MANE Select); coding-DNA position 2221, C replaced by A.
Protein change: p.Pro741Thr; replaces proline 741 with threonine.
Molecular consequence: missense variant.
Genome position (GRCh38, 1-based): chr3:47,410,019, C>A. VCF-style: chr3-47410019-C-A. GRCh37 (hg19) VCF-style: chr3-47451509-C-A.
Other names: c.1843C>A, p.Pro615Thr (NM_001304482.2); short protein forms P741T, P615T.
Identifiers: ClinVar variation 1926892 (VCV001926892.2), dbSNP rs751424693, ClinGen allele CA2365978.
Genomic context (GRCh38, chr3:47,410,019, plus strand): 5'-ACAGCCCCAAAGCCGCTGCTGCCCCGCAGGGAGGAGAGTGAGGCAGTGGAAGCAGGAGAC[C>A]CCCCTGAGGAGCTGCGCAGCCTCCCCCCTGACATGGTGGCTGGCCCACGACTGCCTGACA-3'
Protein context (NP_056281.1, residues 731-751): EESEAVEAGD[Pro741Thr]PEELRSLPPD